The following is an entry in ClinVar:

NM_020937.4(FANCM):c.4866A>T (p.Glu1622Asp)

Gene: FANCM (FA complementation group M; plus strand). Cytogenetic location: 14q21.2.
Variant type: single nucleotide variant.
Coding change: c.4866A>T on transcript NM_020937.4 (MANE Select); coding-DNA position 4866, A replaced by T.
Protein change: p.Glu1622Asp; replaces glutamic acid 1622 with aspartic acid.
Molecular consequence: missense variant.
Genome position (GRCh38, 1-based): chr14:45,188,888, A>T. VCF-style: chr14-45188888-A-T. GRCh37 (hg19) VCF-style: chr14-45658091-A-T.
Other names: c.4788A>T, p.Glu1596Asp (NM_001308133.2); short protein forms E1622D, E1596D.
Identifiers: ClinVar variation 4254535 (VCV004254535.1).

ClinVar aggregate classification (germline): Uncertain significance (1 of 4 stars; one submission).

Conditions:
Inborn genetic diseases. Identifiers: MedGen C0950123, MeSH D030342.

gnomAD v4.1: 1 of 1,613,794 alleles (0.000062%); highest among the groups gnomAD compares: South Asian, 0.0011%; no homozygotes.

Submission:

Ambry Genetics
Classification: Uncertain significance for Inborn genetic diseases. Last evaluated: 2025-06-22. Review status: criteria provided, single submitter. Criteria: Ambry Variant Classification Scheme 2023. Collection method: clinical testing. Allele origin: germline.
Comment: The p.E1622D variant (also known as c.4866A>T), located in coding exon 20 of the FANCM gene, results from an A to T substitution at nucleotide position 4866. The glutamic acid at codon 1622 is replaced by aspartic acid, an amino acid with highly similar properties. This amino acid position is conserved. In addition, this alteration is predicted to be tolerated by in silico analysis. Based on the available evidence, the clinical significance of this variant remains unclear.